The following is an entry in ClinVar:

ClinVar aggregate classification (germline): Pathogenic (1 of 4 stars; one submission).

Conditions:
Neurofibromatosis, type 1 (NF1). Also called: Peripheral type neurofibromatosis; VON RECKLINGHAUSEN DISEASE; Neurofibromatosis, type I; NEUROFIBROMATOSIS, TYPE I, SOMATIC. Identifiers: Orphanet 636, MedGen C0027831, MONDO:0018975, OMIM 162200. Disease mechanism: loss of function.

Submission:

Labcorp Genetics (formerly Invitae), Labcorp
Classification: Pathogenic for Neurofibromatosis, type 1. Last evaluated: 2025-08-05. Review status: criteria provided, single submitter. Criteria: Invitae Variant Classification Sherloc (09022015). Collection method: clinical testing. Allele origin: germline.
Comment: This sequence change creates a premature translational stop signal (p.Arg652Hisfs*17) in the NF1 gene. It is expected to result in an absent or disrupted protein product. Loss-of-function variants in NF1 are known to be pathogenic (PMID: 10712197, 23913538). This variant is not present in population databases (gnomAD no frequency). This variant has not been reported in the literature in individuals affected with NF1-related conditions. ClinVar contains an entry for this variant (Variation ID: 845519). For these reasons, this variant has been classified as Pathogenic.

Literature cited by the submitters: PubMed 10712197; PubMed 23913538.

NM_001042492.3(NF1):c.1955_1956del (p.Arg652fs)

Gene: NF1 (neurofibromin 1; plus strand). Cytogenetic location: 17q11.2.
Variant type: Deletion.
Coding change: c.1955_1956del on transcript NM_001042492.3 (MANE Select); coding-DNA positions 1955 to 1956, 2 bases deleted (GT; older notation c.1955_1956delGT).
Protein change: p.Arg652fs; shifts the reading frame from arginine 652.
Molecular consequence: frameshift variant.
Genome position (GRCh38, 1-based): chr17:31,225,204-31,225,205, GT deleted. VCF-style (leftmost placement, unchanged base first): chr17-31225203-CGT-C. GRCh37 (hg19) VCF-style: chr17-29552221-CGT-C.
Other names: c.1955_1956delGT, p.Arg652Hisfs (NM_000267.4); short protein forms R652fs.
Identifiers: ClinVar variation 845519 (VCV000845519.6), dbSNP rs2066992658, ClinGen allele CA916080581.